The following is an entry in ClinVar:

NM_015629.4(PRPF31):c.562G>T (p.Glu188Ter)

Gene: PRPF31 (pre-mRNA processing factor 31; plus strand). Cytogenetic location: 19q13.42.
Variant type: single nucleotide variant.
Coding change: c.562G>T on transcript NM_015629.4 (MANE Select); coding-DNA position 562, G replaced by T.
Protein change: p.Glu188Ter; replaces glutamic acid 188 with a stop codon.
Molecular consequence: nonsense.
Genome position (GRCh38, 1-based): chr19:54,123,783, G>T. VCF-style: chr19-54123783-G-T. GRCh37 (hg19) VCF-style: chr19-54627162-G-T.
Other names: short protein forms E188*.
Identifiers: ClinVar variation 143148 (VCV000143148.2), dbSNP rs527236094, ClinGen allele CA270113.
Genomic context (GRCh38, chr19:54,123,783, plus strand): 5'-GAGGCTGGGCCCACCCGCCCCTGCAGGCAGCAGCTGTCGGAGGAGGAGCTGGAGCGGCTG[G>T]AGGAGGCCTGCGACATGGCGCTGGAGCTGAACGCCTCCAAGCACCGCATCTACGAGTATG-3'

ClinVar aggregate classification (germline): Likely pathogenic (0 of 4 stars; one submission).

Conditions:
Retinitis pigmentosa (RP). Identifiers: Orphanet 791, MedGen C0035334, MeSH D012174, MONDO:0019200, OMIM 268000. Inheritance: Autosomal dominant, autosomal recessive and X linked inheritance.

Submission:

Department of Ophthalmology and Visual Sciences Kyoto University
Classification: Likely pathogenic for Retinitis pigmentosa. Review status: no assertion criteria provided. Collection method: not provided. Allele origin: unknown.
ClinVar note: Converted during submission from probable-pathogenic to Likely pathogenic.